The following is an entry in ClinVar:

NM_001753.4(CAV1):c.-94T>C

Gene: CAV1 (caveolin 1; plus strand). Cytogenetic location: 7q31.2.
Variant type: single nucleotide variant.
Coding change: c.-94T>C on transcript NM_001753.4; 94 bases upstream of the start codon, T replaced by C.
Genome position (GRCh38, 1-based): chr7:116,524,969, T>C. VCF-style: chr7-116524969-T-C. GRCh37 (hg19) VCF-style: chr7-116165023-T-C.
Identifiers: ClinVar variation 3034599 (VCV003034599.3), dbSNP rs932464933, ClinGen allele CA165435182.

ClinVar aggregate classification (germline): Likely benign. Review status: criteria provided, single submitter (1 of 4 stars). 2 submissions from 2 submitters: Likely benign (1). 1 of the submissions does not count toward it. Last evaluated 2022-03-09.

Conditions:
CAV1-related disorder. Also called: CAV1-related condition.

Allele frequency attached by ClinVar (database versions not stated): TOPMed 0.00023; gnomAD 0.00025; 1000 Genomes Project 30x 0.00047; gnomAD exomes 0.00011.

Submissions (2):

Blueprint Genetics
Classification: Likely benign. Last evaluated: 2022-03-09. Review status: criteria provided, single submitter. Criteria: ACMG Guidelines, 2015. Collection method: clinical testing. Allele origin: germline.

PreventionGenetics, part of Exact Sciences
Classification: Likely benign for CAV1-related condition. Last evaluated: 2019-08-12. Review status: no assertion criteria provided. Collection method: clinical testing. Allele origin: germline. Not counted in ClinVar's aggregate classification.
Comment: This variant is classified as likely benign based on ACMG/AMP sequence variant interpretation guidelines (Richards et al. 2015 PMID: 25741868, with internal and published modifications).